The following is an entry in ClinVar:

NM_003001.5(SDHC):c.194T>A (p.Met65Lys)

Gene: SDHC (succinate dehydrogenase complex subunit C; plus strand). Cytogenetic location: 1q23.3.
Variant type: single nucleotide variant.
Coding change: c.194T>A on transcript NM_003001.5 (MANE Select); coding-DNA position 194, T replaced by A.
Protein change: p.Met65Lys; replaces methionine 65 with lysine.
Molecular consequence: missense variant.
Genome position (GRCh38, 1-based): chr1:161,340,608, T>A. VCF-style: chr1-161340608-T-A. GRCh37 (hg19) VCF-style: chr1-161310398-T-A.
Other names: c.83T>A, p.Met28Lys (NM_001407119.1, NM_001407120.1); c.137T>A, p.Met46Lys (NM_001407121.1, NM_001407116.1, NM_001407117.1); c.194T>A, p.Met65Lys (NM_001035511.3); c.92T>A, p.Met31Lys (NM_001035512.3, NM_001278172.3, NM_001407118.1); c.35T>A, p.Met12Lys (NM_001035513.3); c.314T>A, p.Met105Lys (NM_001407115.1); short protein forms M12K, M65K, M31K, M105K, M46K, M28K.
Identifiers: ClinVar variation 1462269 (VCV001462269.9), dbSNP rs2102336108, ClinGen allele CA343365736.
Genomic context (GRCh38, chr1:161,340,608, plus strand): 5'-TGTCATCTTTTCCTTTTTAAAATTGTCTTTGTGTGTTTCTTTACAGTTGGTCTCTTCCCA[T>A]GGCGATGTCCATCTGCCACCGTGGCACTGGTATTGCTTTGAGTGCAGGTATGTATATGTG-3'
Protein context (NP_002992.1, residues 55-75): HITIYSWSLP[Met65Lys]AMSICHRGTG

ClinVar aggregate classification (germline): Uncertain significance (1 of 4 stars; one submission).

Conditions:
Gastrointestinal stromal tumor. Also called: Gastrointestinal stroma tumor; Gastrointestinal stromal tumor, somatic. Identifiers: Orphanet 44890, MedGen C0238198, MeSH D046152, MONDO:0011719, OMIM 606764, HP:0100723.
Pheochromocytoma/paraganglioma syndrome 3. Also called: GLOMUS TUMORS, FAMILIAL, 3; SDHC-Related Hereditary Paraganglioma-Pheochromocytoma Syndrome; Paragangliomas 3; SDHC-Related Hereditary Paraganglioma-Pheochromocytoma Syndrome (Paragangliomas 3). Identifiers: Orphanet 29072, MedGen C1854336, MONDO:0011544, OMIM 605373.

Submission:

Labcorp Genetics (formerly Invitae), Labcorp
Classification: Uncertain significance for Pheochromocytoma/paraganglioma syndrome 3; Gastrointestinal stromal tumor. Last evaluated: 2024-04-22. Review status: criteria provided, single submitter. Criteria: Invitae Variant Classification Sherloc (09022015). Collection method: clinical testing. Allele origin: germline.
Comment: This sequence change replaces methionine, which is neutral and non-polar, with lysine, which is basic and polar, at codon 65 of the SDHC protein (p.Met65Lys). This variant is not present in population databases (gnomAD no frequency). This variant has not been reported in the literature in individuals affected with SDHC-related conditions. ClinVar contains an entry for this variant (Variation ID: 1462269). An algorithm developed to predict the effect of missense changes on protein structure and function (PolyPhen-2) suggests that this variant is likely to be disruptive. In summary, the available evidence is currently insufficient to determine the role of this variant in disease. Therefore, it has been classified as a Variant of Uncertain Significance.